The following is an entry in ClinVar:

ClinVar aggregate classification (germline): Likely pathogenic (0 of 4 stars; one submission).

Conditions:
Multiple mitochondrial dysfunctions syndrome 3 (MMDS3). Identifiers: Orphanet 363424, MedGen C3809165, MONDO:0014132, OMIM 615330.

Submission:

Foundation for Research in Genetics and Endocrinology, FRIGE's Institute of Human Genetics
Classification: Likely pathogenic for Multiple mitochondrial dysfunctions syndrome 3. Last evaluated: 2017-08-02. Review status: no assertion criteria provided. Collection method: clinical testing. Allele origin: germline. Inheritance: Autosomal recessive inheritance. Affected: yes. Observed: 1 variant allele, 1 compound heterozygote.
Comment: The variant c.167G>A (p.R56H) is not reported in either1000 Genomes or ExAC databases.The in silico predictions of the variant are probably damaging by PolyPhen-2 and damaging by SIFT, LRT and MutationTaster2. The variant c.826C>T (p.R276C) has not been reported in 1000 Genomes databases and has a minor allele frequency of 0.013% in the ExAC database. The in silico predictions of the variant are probably damaging by PolyPhen-2 and damaging by SIFT, LRT and MutationTaster2.

NM_001010867.3(IBA57):c.[167G>A];[826C>T]

Variant type: CompoundHeterozygote.
Identifiers: ClinVar variation 433547 (VCV000433547.2).